The following is an entry in ClinVar:

ClinVar aggregate classification (germline): Uncertain significance (1 of 4 stars; one submission).

Conditions:
ROBO3-related disorder. Also called: ROBO3-related condition.

Submission:

PreventionGenetics, part of Exact Sciences
Classification: Uncertain significance for ROBO3-related condition. Last evaluated: 2023-09-19. Review status: criteria provided, single submitter. Criteria: ACMG Guidelines, 2015. Collection method: clinical testing. Allele origin: germline.
Comment: The ROBO3 c.228_245del18 variant is predicted to result in an in-frame deletion (p.Arg77_Thr82del). To our knowledge, this variant has not been reported in the literature. This variant is reported in 0.015% of alleles in individuals of Latino descent in gnomAD. Although we suspect that this variant may be pathogenic, at this time, the clinical significance of this variant is uncertain due to the absence of conclusive functional and genetic evidence.

NM_022370.4(ROBO3):c.228_245del (p.Arg77_Thr82del)

Gene: ROBO3 (roundabout guidance receptor 3; plus strand). Cytogenetic location: 11q24.2.
Variant type: Deletion.
Coding change: c.228_245del on transcript NM_022370.4 (MANE Select); coding-DNA positions 228 to 245, 18 bases deleted (CCGAGGCGAGCCCGCCAC).
Protein change: p.Arg77_Thr82del.
Molecular consequence: inframe deletion.
Genome position (GRCh38, 1-based): chr11:124,868,869-124,868,886, CCGAGGCGAGCCCGCCAC deleted; deleting any 18 consecutive bases within chr11:124,868,868-124,868,886 gives the same sequence; the c. name uses the placement nearest the transcript's 3' end. VCF-style (leftmost placement, unchanged base first): chr11-124868867-TCCCGAGGCGAGCCCGCCA-T. GRCh37 (hg19) VCF-style: chr11-124738763-TCCCGAGGCGAGCCCGCCA-T.
Identifiers: ClinVar variation 2629002 (VCV002629002.1), dbSNP rs763518435, ClinGen allele CA6343125.
Genomic context (GRCh38, chr11:124,868,867, plus strand): 5'-AGGGTAGGACCGGAGGACGCTATGCCCCGCATCGTGGAGCAGCCGCCAGATCTGCTGGTC[TCCCGAGGCGAGCCCGCCA>T]CGTTGCCCTGCCGCGCTGAAGGCCGACCCCGACCCAACATTGAGTGGTACAAGAACGGGG-3'